The following is an entry in ClinVar:

NM_020166.5(MCCC1):c.310C>T (p.Gln104Ter)

Gene: MCCC1 (methylcrotonyl-CoA carboxylase subunit 1; minus strand). Cytogenetic location: 3q27.1.
Variant type: single nucleotide variant.
Coding change: c.310C>T on transcript NM_020166.5 (MANE Select); coding-DNA position 310, C replaced by T.
Protein change: p.Gln104Ter; replaces glutamine 104 with a stop codon.
Molecular consequence: nonsense. On other transcripts: synonymous variant (1), 5 prime UTR variant (1), non-coding transcript variant (1).
Genome position (GRCh38, 1-based): chr3:183,086,752, G>A on the plus strand (C>T on the coding strand, the complement: MCCC1 is on the minus strand). VCF-style: chr3-183086752-G-A. GRCh37 (hg19) VCF-style: chr3-182804540-G-A.
Other names: c.81C>T, p.Pro27= (NM_001293273.2); c.-18C>T (NM_001363880.1); short protein forms Q104*.
Identifiers: ClinVar variation 1438722 (VCV001438722.7), dbSNP rs1177891822, ClinGen allele CA355319491.
Genomic context (GRCh38, chr3:183,086,752, plus strand): 5'-CCTGTGCAGCAGAGGTCTTGGCCACTTGAATGATTTTCTCCATAGATAGGTAGCTCTGCT[G>A]GGAGGGAGCGGGGCCGATGGAATATGCTTCATCTGCCTGTTTAAGAAACATCACATGCTT-3'

ClinVar aggregate classification (germline): Pathogenic/Likely pathogenic. Review status: criteria provided, multiple submitters, no conflicts (2 of 4 stars). 2 submissions from 2 submitters: Pathogenic (1); Likely pathogenic (1). Last evaluated 2025-12-15.

Conditions:
3-methylcrotonyl-CoA carboxylase 1 deficiency (MCC1D). Also called: MCC 1 deficiency; 3 Alpha methylcrotonylglycinuria 1; MCCD TYPE 1; METHYLCROTONYLGLYCINURIA TYPE I. Identifiers: Orphanet 6, MedGen CN028786, MONDO:0008861, OMIM 210200.

Allele frequency attached by ClinVar (database versions not stated): gnomAD exomes below 0.00001; TOPMed 0.00001.
gnomAD v4.1: 3 of 1,614,156 alleles (0.00019%); highest among the groups gnomAD compares: Non-Finnish European, 0.00025%; no homozygotes.

Submissions (2):

Labcorp Genetics (formerly Invitae), Labcorp
Classification: Pathogenic for 3-methylcrotonyl-CoA carboxylase 1 deficiency. Last evaluated: 2025-12-15. Review status: criteria provided, single submitter. Criteria: Invitae Variant Classification Sherloc (09022015). Collection method: clinical testing. Allele origin: germline.
Comment: This sequence change creates a premature translational stop signal (p.Gln104*) in the MCCC1 gene. It is expected to result in an absent or disrupted protein product. Loss-of-function variants in MCCC1 are known to be pathogenic (PMID: 11181649, 15359379, 22642865). This variant is not present in population databases (gnomAD no frequency). This variant has not been reported in the literature in individuals affected with MCCC1-related conditions. ClinVar contains an entry for this variant (Variation ID: 1438722). For these reasons, this variant has been classified as Pathogenic.

Baylor Genetics
Classification: Likely pathogenic for 3-methylcrotonyl-CoA carboxylase 1 deficiency. Last evaluated: 2023-10-19. Review status: criteria provided, single submitter. Criteria: ACMG Guidelines, 2015. Collection method: clinical testing. Allele origin: unknown.

Literature cited by the submitters: PubMed 11181649 (cited by Labcorp Genetics (formerly Invitae), Labcorp); PubMed 15359379 (cited by Labcorp Genetics (formerly Invitae), Labcorp); PubMed 22642865 (cited by Labcorp Genetics (formerly Invitae), Labcorp).